The following is an entry in ClinVar:

ClinVar aggregate classification (germline): Uncertain significance. Review status: criteria provided, multiple submitters, no conflicts (2 of 4 stars). 4 submissions from 4 submitters: Uncertain significance (4). Last evaluated 2025-12-17.

Conditions:
Stormorken syndrome (STRMK). Also called: THROMBOCYTOPATHY, ASPLENIA, AND MIOSIS. Identifiers: Orphanet 3204, MedGen C1861451, MONDO:0008497, OMIM 185070.
Myopathy with tubular aggregates (TAM). Also called: Tubular Aggregate Myopathy. Identifiers: Orphanet 2593, MedGen C0410207, MONDO:0008051.
Combined immunodeficiency due to STIM1 deficiency. Also called: STIM1 DEFICIENCY; IMMUNODEFICIENCY 10. Identifiers: Orphanet 169090, Orphanet 317430, MedGen C2748557, MONDO:0013008, OMIM 612783.
STIM1-related disorder. Also called: STIM1-related condition.
Inborn genetic diseases. Identifiers: MedGen C0950123, MeSH D030342.
Myopathy, tubular aggregate, 1 (TAM1). Identifiers: MedGen C4011726, MONDO:0024531, OMIM 160565.

Allele frequency attached by ClinVar (database versions not stated): gnomAD below 0.00001 and 0.00001; TOPMed 0.00001.
gnomAD v4.1: 10 of 1,595,986 alleles (0.00063%); highest among the groups gnomAD compares: South Asian, 0.0034%; no homozygotes.

Submissions (4):

PreventionGenetics, part of Exact Sciences
Classification: Uncertain significance for STIM1-related condition. Last evaluated: 2025-12-17. Review status: criteria provided, single submitter. Criteria: ACMG Guidelines, 2015. Collection method: clinical testing. Allele origin: germline.
Comment: The STIM1 c.464G>A variant is predicted to result in the amino acid substitution p.Arg155Gln. To our knowledge, this variant has not been reported in the literature. This variant is reported in 0.0059% of alleles in individuals of East Asian descent in gnomAD. At this time, the clinical significance of this variant is uncertain due to the absence of conclusive functional and genetic evidence.

Labcorp Genetics (formerly Invitae), Labcorp
Classification: Uncertain significance for Myopathy with tubular aggregates; Combined immunodeficiency due to STIM1 deficiency; Stormorken syndrome. Last evaluated: 2025-04-30. Review status: criteria provided, single submitter. Criteria: Invitae Variant Classification Sherloc (09022015). Collection method: clinical testing. Allele origin: germline.
Comment: This sequence change replaces arginine, which is basic and polar, with glutamine, which is neutral and polar, at codon 155 of the STIM1 protein (p.Arg155Gln). The frequency data for this variant in the population databases is considered unreliable, as metrics indicate poor data quality at this position in the gnomAD database. This variant has not been reported in the literature in individuals affected with STIM1-related conditions. ClinVar contains an entry for this variant (Variation ID: 1038769). Invitae Evidence Modeling of protein sequence and biophysical properties (such as structural, functional, and spatial information, amino acid conservation, physicochemical variation, residue mobility, and thermodynamic stability) has been performed for this missense variant. However, the output from this modeling did not meet the statistical confidence thresholds required to predict the impact of this variant on STIM1 protein function. In summary, the available evidence is currently insufficient to determine the role of this variant in disease. Therefore, it has been classified as a Variant of Uncertain Significance.

Ambry Genetics
Classification: Uncertain significance for Inborn genetic diseases. Last evaluated: 2023-08-04. Review status: criteria provided, single submitter. Criteria: Ambry Variant Classification Scheme 2023. Collection method: clinical testing. Allele origin: germline.

Fulgent Genetics
Classification: Uncertain significance for Myopathy, tubular aggregate, 1; Stormorken syndrome; Combined immunodeficiency due to STIM1 deficiency. Last evaluated: 2021-07-02. Review status: criteria provided, single submitter. Criteria: ACMG Guidelines, 2015. Collection method: clinical testing. Allele origin: unknown.

NM_001382567.1(STIM1):c.464G>A (p.Arg155Gln)

Gene: STIM1 (stromal interaction molecule 1; plus strand). Cytogenetic location: 11p15.4.
Variant type: single nucleotide variant.
Coding change: c.464G>A on transcript NM_001382567.1 (MANE Select); coding-DNA position 464, G replaced by A.
Protein change: p.Arg155Gln; replaces arginine 155 with glutamine.
Molecular consequence: missense variant. On other transcripts: 5 prime UTR variant (2), non-coding transcript variant (3), intron variant (2).
Genome position (GRCh38, 1-based): chr11:4,055,604, G>A. VCF-style: chr11-4055604-G-A. GRCh37 (hg19) VCF-style: chr11-4076834-G-A.
Other names: c.464G>A, p.Arg155Gln (NM_001277961.3, NM_001277962.2, NM_001382568.1 and 2 more transcripts); c.242G>A, p.Arg81Gln (NM_001382566.1, NM_001382573.1, NM_001382574.1 and 5 more transcripts); c.329G>A, p.Arg110Gln (NM_001382569.1); c.-26G>A (NM_001382580.1, NM_001382581.1); c.386-14422G>A (NM_001382570.1); c.18-3677G>A (NM_001382571.1); short protein forms R110Q, R155Q, R81Q.
Identifiers: ClinVar variation 1038769 (VCV001038769.15), dbSNP rs771484089, ClinGen allele CA5830226.